The following is an entry in ClinVar:

NM_000465.4(BARD1):c.1345C>A (p.Gln449Lys)

Gene: BARD1 (BRCA1 associated RING domain 1; minus strand). Cytogenetic location: 2q35.
Variant type: single nucleotide variant.
Coding change: c.1345C>A on transcript NM_000465.4 (MANE Select); coding-DNA position 1345, C replaced by A.
Protein change: p.Gln449Lys; replaces glutamine 449 with lysine.
Molecular consequence: missense variant. On other transcripts: non-coding transcript variant (3), intron variant (3).
Genome position (GRCh38, 1-based): chr2:214,769,282, G>T on the plus strand (C>A on the coding strand, the complement: BARD1 is on the minus strand). VCF-style: chr2-214769282-G-T. GRCh37 (hg19) VCF-style: chr2-215634006-G-T.
Other names: c.1288C>A, p.Gln430Lys (NM_001282543.2); c.159-16727C>A (NM_001282548.2); c.216-16727C>A (NM_001282545.2); c.364+23015C>A (NM_001282549.2); short protein forms Q430K, Q449K.
Identifiers: ClinVar variation 1770454 (VCV001770454.2), dbSNP rs1553619721, ClinGen allele CA350450417.

ClinVar aggregate classification (germline): Uncertain significance (1 of 4 stars; one submission).

Conditions:
Hereditary cancer-predisposing syndrome. Also called: Hereditary Cancer Syndrome; Hereditary neoplastic syndrome; Neoplastic Syndromes, Hereditary; Tumor predisposition. Identifiers: Orphanet 140162, MedGen C0027672, MeSH D009386, MONDO:0015356.

Submission:

Ambry Genetics
Classification: Uncertain significance for Hereditary cancer-predisposing syndrome. Last evaluated: 2022-03-03. Review status: criteria provided, single submitter. Criteria: Ambry Variant Classification Scheme 2023. Collection method: clinical testing. Allele origin: germline.
Comment: The p.Q449K variant (also known as c.1345C>A), located in coding exon 5 of the BARD1 gene, results from a C to A substitution at nucleotide position 1345. The glutamine at codon 449 is replaced by lysine, an amino acid with similar properties. This amino acid position is conserved. In addition, this alteration is predicted to be tolerated by in silico analysis. Since supporting evidence is limited at this time, the clinical significance of this alteration remains unclear.